The following is an entry in ClinVar:

ClinVar aggregate classification (germline): Benign (1 of 4 stars; one submission).

Conditions:
Lethal polymalformative syndrome, Boissel type. Also called: GROWTH RETARDATION, DEVELOPMENTAL DELAY, AND FACIAL DYSMORPHISM. Identifiers: Orphanet 210144, MedGen C2752001, MONDO:0013050, OMIM 612938.

Allele frequency attached by ClinVar (database versions not stated): gnomAD 0.00592 and 0.00640; TOPMed 0.00706; 1000 Genomes Project 30x 0.00765; 1000 Genomes Project 0.00859.

Submission:

Illumina Laboratory Services, Illumina
Classification: Benign for Lethal polymalformative syndrome, Boissel type. Last evaluated: 2018-01-13. Review status: criteria provided, single submitter. Criteria: ICSL Variant Classification Criteria 13 December 2019. Collection method: clinical testing. Allele origin: germline.
Comment: This variant was observed in the ICSL laboratory as part of a predisposition screen in an ostensibly healthy population. It had not been previously curated by ICSL or reported in the Human Gene Mutation Database (HGMD: prior to June 1st, 2018), and was therefore a candidate for classification through an automated scoring system. Utilizing variant allele frequency, disease prevalence and penetrance estimates, and inheritance mode, an automated score was calculated to assess if this variant is too frequent to cause the disease. Based on the score and internal cut-off values, a variant classified as benign is not then subjected to further curation. The score for this variant resulted in a classification of benign for this disease.

NM_001080432.3(FTO):c.*931C>A

Gene: FTO (FTO alpha-ketoglutarate dependent dioxygenase; plus strand). Cytogenetic location: 16q12.2.
Variant type: single nucleotide variant.
Coding change: c.*931C>A on transcript NM_001080432.3 (MANE Select); 931 bases downstream of the stop codon, C replaced by A.
Molecular consequence: 3 prime UTR variant.
Genome position (GRCh38, 1-based): chr16:54,112,846, C>A. VCF-style: chr16-54112846-C-A. GRCh37 (hg19) VCF-style: chr16-54146758-C-A.
Other names: c.*931C>A (NM_001363891.2, NM_001363894.2, NM_001363896.2 and 6 more transcripts); c.*1049C>A (NM_001363903.2); c.*1107C>A (NM_001363988.2).
Identifiers: ClinVar variation 319702 (VCV000319702.5), dbSNP rs116372569, ClinGen allele CA10637982.